The following is an entry in ClinVar:

ClinVar aggregate classification (germline): Uncertain significance (1 of 4 stars; one submission).

Conditions:
Hereditary cancer-predisposing syndrome. Also called: Neoplastic Syndromes, Hereditary; Tumor predisposition; Hereditary Cancer Syndrome; Hereditary neoplastic syndrome. Identifiers: Orphanet 140162, MedGen C0027672, MeSH D009386, MONDO:0015356.

Submission:

Ambry Genetics
Classification: Uncertain significance for Hereditary cancer-predisposing syndrome. Last evaluated: 2026-01-18. Review status: criteria provided, single submitter. Criteria: Ambry Variant Classification Scheme 2023. Collection method: clinical testing. Allele origin: germline.
Comment: The p.S403P variant (also known as c.1207T>C), located in coding exon 10 of the TSC1 gene, results from a T to C substitution at nucleotide position 1207. The serine at codon 403 is replaced by proline, an amino acid with similar properties. This amino acid position is conserved. In addition, this alteration is predicted to be tolerated by in silico analysis. Based on the available evidence, the clinical significance of this variant remains unclear.

NM_000368.5(TSC1):c.1207T>C (p.Ser403Pro)

Gene: TSC1 (TSC complex subunit 1; minus strand). Cytogenetic location: 9q34.13.
Variant type: single nucleotide variant.
Coding change: c.1207T>C on transcript NM_000368.5 (MANE Select); coding-DNA position 1207, T replaced by C.
Protein change: p.Ser403Pro; replaces serine 403 with proline.
Molecular consequence: missense variant. On other transcripts: non-coding transcript variant (5).
Genome position (GRCh38, 1-based): chr9:132,910,627, A>G on the plus strand (T>C on the coding strand, the complement: TSC1 is on the minus strand). VCF-style: chr9-132910627-A-G. GRCh37 (hg19) VCF-style: chr9-135786014-A-G.
Other names: c.1204T>C, p.Ser402Pro (NM_001406609.1, NM_001162426.2, NM_001406608.1 and 6 more transcripts); c.1054T>C, p.Ser352Pro (NM_001406610.1, NM_001162427.2); c.1051T>C, p.Ser351Pro (NM_001406611.1, NM_001406612.1, NM_001406613.1); c.844T>C, p.Ser282Pro (NM_001406614.1, NM_001362177.2, NM_001406615.1 and 5 more transcripts); c.841T>C, p.Ser281Pro (NM_001406625.1, NM_001406620.1, NM_001406621.1 and 2 more transcripts); c.256T>C, p.Ser86Pro (NM_001406626.1); c.253T>C, p.Ser85Pro (NM_001406627.1, NM_001406628.1); c.154T>C, p.Ser52Pro (NM_001406629.1, NM_001406630.1); and 1 more; short protein forms S402P, S403P, S52P, S86P, S281P, S351P, S282P, S352P.
Identifiers: ClinVar variation 4844221 (VCV004844221.1).